The following is an entry in ClinVar:

ClinVar aggregate classification (germline): Benign (1 of 4 stars; one submission).

Allele frequency attached by ClinVar (database versions not stated): 1000 Genomes Project 30x 0.32558; 1000 Genomes Project 0.32668; TOPMed 0.36441; gnomAD 0.36981 and 0.37190; gnomAD exomes 0.43870.
gnomAD v4.1: 196,700 of 471,370 alleles (42%); highest among the groups gnomAD compares: Non-Finnish European, 48%; 44,374 homozygotes.

Submission:

GeneDx
Classification: Benign. Last evaluated: 2018-06-14. Review status: criteria provided, single submitter. Criteria: GeneDx Variant Classification (06012015). Collection method: clinical testing. Allele origin: germline. Affected: yes.
Comment: This variant is considered likely benign or benign based on one or more of the following criteria: it is a conservative change, it occurs at a poorly conserved position in the protein, it is predicted to be benign by multiple in silico algorithms, and/or has population frequency not consistent with disease.

NM_000053.4(ATP7B):c.2356-296A>G

Gene: ATP7B (ATPase copper transporting beta; minus strand). Cytogenetic location: 13q14.3.
Variant type: single nucleotide variant.
Coding change: c.2356-296A>G on transcript NM_000053.4 (MANE Select); 296 bases into the intron before coding-DNA position 2356, A replaced by G.
Molecular consequence: intron variant.
Genome position (GRCh38, 1-based): chr13:51,957,903, T>C on the plus strand (A>G on the coding strand, the complement: ATP7B is on the minus strand). VCF-style: chr13-51957903-T-C. GRCh37 (hg19) VCF-style: chr13-52532039-T-C.
Other names: c.2023-296A>G (NM_001243182.2); c.1870-296A>G (NM_001005918.3); c.2104-296A>G (NM_001330579.2); c.2122-296A>G (NM_001330578.2).
Identifiers: ClinVar variation 680479 (VCV000680479.1), dbSNP rs752570, ClinGen allele CA15778959.